The following is an entry in ClinVar:

Single allele

Genes: ANKRD33B (ankyrin repeat domain 33B; plus strand), CTNND2 (catenin delta 2; minus strand), DAP (death associated protein; minus strand), MARCHF6 (membrane associated ring-CH-type finger 6; plus strand), ROPN1L (rhophilin associated tail protein 1 like; plus strand). Cytogenetic location: 5p15.2.
Variant type: Duplication.
Identifiers: ClinVar variation 560103 (VCV000560103.3).

ClinVar aggregate classification (germline): Uncertain significance (1 of 4 stars; one submission).

Submission:

Geisinger Autism and Developmental Medicine Institute, Geisinger Health System
Classification: Uncertain significance. Last evaluated: 2018-03-27. Review status: criteria provided, single submitter. Criteria: ACMG CNV Guidelines, 2011. Collection method: provider interpretation. Allele origin: maternal.
Comment: The duplication includes a portion of the CTNND2 gene, a gene that has been suggested to play a role in severity of intellectual disability in cri-du-chat syndrome. The impact of a partial duplication of this gene is unclear. Partial duplications have been reported in association with schizophrenia and in an individual with cerebral palsy (Vrijenhock et al. 2008; McMichael et al. 2014).

Literature cited by the submitters: PubMed 18940311; PubMed 23695280.